The following is an entry in ClinVar:

ClinVar aggregate classification (germline): Uncertain significance (1 of 4 stars; one submission).

Conditions:
Developmental and epileptic encephalopathy, 9 (DEE9). Also called: Early infantile epileptic encephalopathy 9; EPILEPSY, FEMALE-RESTRICTED, WITH MENTAL RETARDATION; JUBERG-HELLMAN SYNDROME; PCDH19-Related X-Linked Female-Limited Epilepsy with Mental Retardation. Identifiers: Orphanet 101039, Orphanet 2076, MedGen C1848137, MONDO:0010246, OMIM 300088. Disease mechanism: loss of function.

Submission:

Labcorp Genetics (formerly Invitae), Labcorp
Classification: Uncertain significance for Developmental and epileptic encephalopathy, 9. Last evaluated: 2024-10-09. Review status: criteria provided, single submitter. Criteria: Invitae Variant Classification Sherloc (09022015). Collection method: clinical testing. Allele origin: germline.
Comment: This sequence change replaces glycine, which is neutral and non-polar, with arginine, which is basic and polar, at codon 690 of the PCDH19 protein (p.Gly690Arg). This variant is not present in population databases (gnomAD no frequency). This variant has not been reported in the literature in individuals affected with PCDH19-related conditions. ClinVar contains an entry for this variant (Variation ID: 2120482). Invitae Evidence Modeling of protein sequence and biophysical properties (such as structural, functional, and spatial information, amino acid conservation, physicochemical variation, residue mobility, and thermodynamic stability) has been performed for this missense variant. However, the output from this modeling did not meet the statistical confidence thresholds required to predict the impact of this variant on PCDH19 protein function. In summary, the available evidence is currently insufficient to determine the role of this variant in disease. Therefore, it has been classified as a Variant of Uncertain Significance.

NM_001184880.2(PCDH19):c.2068G>C (p.Gly690Arg)

Gene: PCDH19 (protocadherin 19; minus strand). Cytogenetic location: Xq22.1.
Variant type: single nucleotide variant.
Coding change: c.2068G>C on transcript NM_001184880.2 (MANE Select); coding-DNA position 2068, G replaced by C.
Protein change: p.Gly690Arg; replaces glycine 690 with arginine.
Molecular consequence: missense variant.
Genome position (GRCh38, 1-based): chrX:100,406,530, C>G on the plus strand (G>C on the coding strand, the complement: PCDH19 is on the minus strand). VCF-style: chrX-100406530-C-G. GRCh37 (hg19) VCF-style: chrX-99661528-C-G.
Other names: c.2068G>C, p.Gly690Arg (NM_001105243.2, NM_020766.3); short protein forms G690R.
Identifiers: ClinVar variation 2120482 (VCV002120482.4), dbSNP rs2520975561, ClinGen allele CA414001360.